The following is an entry in ClinVar:

NM_002585.4(PBX1):c.32A>G (p.His11Arg)

Gene: PBX1 (PBX homeobox 1; plus strand). Cytogenetic location: 1q23.3.
Variant type: single nucleotide variant.
Coding change: c.32A>G on transcript NM_002585.4 (MANE Select); coding-DNA position 32, A replaced by G.
Protein change: p.His11Arg; replaces histidine 11 with arginine.
Molecular consequence: missense variant. On other transcripts: 5 prime UTR variant (1).
Genome position (GRCh38, 1-based): chr1:164,559,854, A>G. VCF-style: chr1-164559854-A-G. GRCh37 (hg19) VCF-style: chr1-164529091-A-G.
Other names: c.32A>G, p.His11Arg (NM_001204961.2, NM_001204963.2, NM_001353131.2); c.-144A>G (NM_001353130.1); short protein forms H11R.
Identifiers: ClinVar variation 1810475 (VCV001810475.1), dbSNP rs747490519, ClinGen allele CA343470150.

ClinVar aggregate classification (germline): Uncertain significance (1 of 4 stars; one submission).

gnomAD v4.1: 1 of 1,546,042 alleles (0.000065%); highest among the groups gnomAD compares: Non-Finnish European, 0.000087%; no homozygotes.

Submission:

GeneDx
Classification: Uncertain significance. Last evaluated: 2022-07-09. Review status: criteria provided, single submitter. Criteria: GeneDx Variant Classification Process June 2021. Collection method: clinical testing. Allele origin: germline. Affected: yes.
Comment: Not observed at significant frequency in large population cohorts (gnomAD); In silico analysis supports that this missense variant does not alter protein structure/function; Has not been previously published as pathogenic or benign to our knowledge